The following is an entry in ClinVar:

NM_001145358.2(SIN3A):c.3146C>T (p.Thr1049Met)

Gene: SIN3A (SIN3 transcription regulator family member A; minus strand). Cytogenetic location: 15q24.2.
Variant type: single nucleotide variant.
Coding change: c.3146C>T on transcript NM_001145358.2 (MANE Select); coding-DNA position 3146, C replaced by T.
Protein change: p.Thr1049Met; replaces threonine 1049 with methionine.
Molecular consequence: missense variant.
Genome position (GRCh38, 1-based): chr15:75,384,313, G>A on the plus strand (C>T on the coding strand, the complement: SIN3A is on the minus strand). VCF-style: chr15-75384313-G-A. GRCh37 (hg19) VCF-style: chr15-75676654-G-A.
Other names: c.3146C>T, p.Thr1049Met (NM_001145357.2, NM_015477.3); short protein forms T1049M.
Identifiers: ClinVar variation 3628603 (VCV003628603.2).

ClinVar aggregate classification (germline): Uncertain significance (1 of 4 stars; one submission).

gnomAD v4.1: 9 of 1,612,806 alleles (0.00056%); highest among the groups gnomAD compares: Admixed American, 0.0017%; no homozygotes.

Submission:

Labcorp Genetics (formerly Invitae), Labcorp
Classification: Uncertain significance. Last evaluated: 2025-04-12. Review status: criteria provided, single submitter. Criteria: Invitae Variant Classification Sherloc (09022015). Collection method: clinical testing. Allele origin: germline.
Comment: This sequence change replaces threonine, which is neutral and polar, with methionine, which is neutral and non-polar, at codon 1049 of the SIN3A protein (p.Thr1049Met). This variant is present in population databases (rs772526843, gnomAD 0.002%). This variant has not been reported in the literature in individuals affected with SIN3A-related conditions. ClinVar contains an entry for this variant (Variation ID: 3628603). Invitae Evidence Modeling of protein sequence and biophysical properties (such as structural, functional, and spatial information, amino acid conservation, physicochemical variation, residue mobility, and thermodynamic stability) indicates that this missense variant is not expected to disrupt SIN3A protein function with a negative predictive value of 80%. In summary, the available evidence is currently insufficient to determine the role of this variant in disease. Therefore, it has been classified as a Variant of Uncertain Significance.